The following is an entry in ClinVar:

NM_001367624.2(ZNF469):c.9268del (p.Arg3090fs)

Gene: ZNF469 (zinc finger protein 469; plus strand). Cytogenetic location: 16q24.2.
Variant type: Deletion.
Coding change: c.9268del on transcript NM_001367624.2 (MANE Select); coding-DNA position 9268, one base deleted (C; older notation c.9268delC).
Protein change: p.Arg3090fs; shifts the reading frame from arginine 3090.
Molecular consequence: frameshift variant.
Genome position (GRCh38, 1-based): chr16:88,436,738, C deleted; the last of 2 consecutive C bases (chr16:88,436,737-88,436,738); deleting either gives the same sequence. VCF-style (leftmost placement, unchanged base first): chr16-88436736-GC-G. GRCh37 (hg19) VCF-style: chr16-88503144-GC-G.
Other names: short protein forms R3090fs.
Identifiers: ClinVar variation 2080449 (VCV002080449.4), dbSNP rs2507602463, ClinGen allele CA2580092202.

ClinVar aggregate classification (germline): Pathogenic (1 of 4 stars; one submission).

Submission:

Labcorp Genetics (formerly Invitae), Labcorp
Classification: Pathogenic. Last evaluated: 2022-01-11. Review status: criteria provided, single submitter. Criteria: Invitae Variant Classification Sherloc (09022015). Collection method: clinical testing. Allele origin: germline.
Comment: This variant disrupts a region of the ZNF469 protein in which other variant(s) (p.Gln3178Argfs*23) have been determined to be pathogenic (PMID: 18452888; Invitae). This suggests that this is a clinically significant region of the protein, and that variants that disrupt it are likely to be disease-causing. For these reasons, this variant has been classified as Pathogenic. This variant has not been reported in the literature in individuals affected with ZNF469-related conditions. This variant is not present in population databases (gnomAD no frequency). This sequence change creates a premature translational stop signal (p.Arg3062Glufs*92) in the ZNF469 gene. While this is not anticipated to result in nonsense mediated decay, it is expected to disrupt the last 864 amino acid(s) of the ZNF469 protein.

Literature cited by the submitters: PubMed 18452888.